The following is an entry in ClinVar:

NM_015338.6(ASXL1):c.4192C>G (p.His1398Asp)

Gene: ASXL1 (ASXL transcriptional regulator 1; plus strand). Cytogenetic location: 20q11.21.
Variant type: single nucleotide variant.
Coding change: c.4192C>G on transcript NM_015338.6 (MANE Select); coding-DNA position 4192, C replaced by G.
Protein change: p.His1398Asp; replaces histidine 1398 with aspartic acid.
Molecular consequence: missense variant.
Genome position (GRCh38, 1-based): chr20:32,436,904, C>G. VCF-style: chr20-32436904-C-G. GRCh37 (hg19) VCF-style: chr20-31024707-C-G.
Other names: c.4009C>G, p.His1337Asp (NM_001363734.1); short protein forms H1337D, H1398D.
Identifiers: ClinVar variation 3793209 (VCV003793209.1).

ClinVar aggregate classification (germline): Uncertain significance (1 of 4 stars; one submission).

Conditions:
Inborn genetic diseases. Identifiers: MedGen C0950123, MeSH D030342.

gnomAD v4.1: 2 of 1,614,078 alleles (0.00012%); highest among the groups gnomAD compares: Non-Finnish European, 0.00017%; no homozygotes.

Submission:

Ambry Genetics
Classification: Uncertain significance for Inborn genetic diseases. Last evaluated: 2025-02-04. Review status: criteria provided, single submitter. Criteria: Ambry Variant Classification Scheme 2023. Collection method: clinical testing. Allele origin: germline.
Comment: The p.H1398D variant (also known as c.4192C>G), located in coding exon 13 of the ASXL1 gene, results from a C to G substitution at nucleotide position 4192. The histidine at codon 1398 is replaced by aspartic acid, an amino acid with similar properties. This amino acid position is conserved. In addition, this alteration is predicted to be tolerated by in silico analysis. Based on the available evidence, the clinical significance of this variant remains unclear.